The following is an entry in ClinVar:

NM_000540.3(RYR1):c.9333G>T (p.Arg3111=)

Gene: RYR1 (ryanodine receptor 1; plus strand). Cytogenetic location: 19q13.2.
Variant type: single nucleotide variant.
Coding change: c.9333G>T on transcript NM_000540.3 (MANE Select); coding-DNA position 9333, G replaced by T.
Protein change: p.Arg3111=; no amino-acid change (arginine 3111 retained).
Molecular consequence: synonymous variant.
Genome position (GRCh38, 1-based): chr19:38,512,344, G>T. VCF-style: chr19-38512344-G-T. GRCh37 (hg19) VCF-style: chr19-39002984-G-T.
Other names: c.9333G>T, p.Arg3111= (NM_001042723.2).
Identifiers: ClinVar variation 1641086 (VCV001641086.10), dbSNP rs765039553, ClinGen allele CA073494.

ClinVar aggregate classification (germline): Likely benign. Review status: criteria provided, multiple submitters, no conflicts (2 of 4 stars). 3 submissions from 3 submitters: Likely benign (3). Last evaluated 2024-07-20.

Conditions:
RYR1-related disorder. Also called: RYR1-related condition; RYR1-related disorders. Identifiers: MedGen CN239331.
Malignant hyperthermia, susceptibility to, 1 (MHS1). Also called: Malignant hyperthermia suceptibility 1; Anesthesia related hyperthermia; Malignant hyperpyrexia; Fulminating hyperpyrexia; Pharmacogenic myopathy; RYR1-Related Malignant Hyperthermia Susceptibility. Identifiers: Orphanet 423, MedGen C2930980, MONDO:0007783, OMIM 145600.

Allele frequency attached by ClinVar (database versions not stated): ExAC 0.00001; gnomAD 0.00001; TOPMed 0.00002.
gnomAD v4.1: 17 of 1,614,074 alleles (0.0011%); highest among the groups gnomAD compares: Non-Finnish European, 0.0014%; no homozygotes.

Submissions (3):

Labcorp Genetics (formerly Invitae), Labcorp
Classification: Likely benign for RYR1-related disorder. Last evaluated: 2024-07-20. Review status: criteria provided, single submitter. Criteria: Invitae Variant Classification Sherloc (09022015). Collection method: clinical testing. Allele origin: germline.

All of Us Research Program, National Institutes of Health
Classification: Likely benign for Malignant hyperthermia, susceptibility to, 1. Last evaluated: 2024-06-17. Review status: criteria provided, single submitter. Criteria: ACMG Guidelines, 2015. Collection method: clinical testing. Allele origin: germline. Inheritance: Autosomal dominant inheritance. Observed: 3 variant alleles, 3 heterozygotes.
Comment: This study involves interpretation of variants in research participants for the purpose of population health screening. Participant phenotype was not available at the time of variant classification. Additional details can be found in publication PMID: 35346344, PMCID: PMC8962531

Color Diagnostics, LLC DBA Color Health
Classification: Likely benign for Malignant hyperthermia, susceptibility to, 1. Last evaluated: 2022-12-07. Review status: criteria provided, single submitter. Criteria: ACMG Guidelines, 2015. Collection method: clinical testing. Allele origin: germline.